The following is an entry in ClinVar:

NM_021619.3(PRDM12):c.1067C>T (p.Ala356Val)

Gene: PRDM12 (PR/SET domain 12; plus strand). Cytogenetic location: 9q34.12.
Variant type: single nucleotide variant.
Coding change: c.1067C>T on transcript NM_021619.3 (MANE Select); coding-DNA position 1067, C replaced by T.
Protein change: p.Ala356Val; replaces alanine 356 with valine.
Molecular consequence: missense variant.
Genome position (GRCh38, 1-based): chr9:130,681,632, C>T. VCF-style: chr9-130681632-C-T. GRCh37 (hg19) VCF-style: chr9-133557019-C-T.
Other names: short protein forms A356V.
Identifiers: ClinVar variation 1364723 (VCV001364723.8), dbSNP rs2132608870, ClinGen allele CA375245288.

ClinVar aggregate classification (germline): Uncertain significance (1 of 4 stars; one submission).

Conditions:
Congenital insensitivity to pain-hypohidrosis syndrome. Also called: HSAN VIII; Neuropathy, hereditary sensory and autonomic, type VIII. Identifiers: Orphanet 478664, MedGen C4225308, MONDO:0014662, OMIM 616488.

Submission:

Labcorp Genetics (formerly Invitae), Labcorp
Classification: Uncertain significance for Congenital insensitivity to pain-hypohidrosis syndrome. Last evaluated: 2022-07-26. Review status: criteria provided, single submitter. Criteria: Invitae Variant Classification Sherloc (09022015). Collection method: clinical testing. Allele origin: germline.
Comment: In summary, the available evidence is currently insufficient to determine the role of this variant in disease. Therefore, it has been classified as a Variant of Uncertain Significance. Algorithms developed to predict the effect of missense changes on protein structure and function are either unavailable or do not agree on the potential impact of this missense change (SIFT: "Deleterious"; PolyPhen-2: "Not Available"; Align-GVGD: "Class C0"). ClinVar contains an entry for this variant (Variation ID: 1364723). This variant has not been reported in the literature in individuals affected with PRDM12-related conditions. The frequency data for this variant in the population databases is considered unreliable, as metrics indicate insufficient coverage at this position in the gnomAD database. This sequence change replaces alanine, which is neutral and non-polar, with valine, which is neutral and non-polar, at codon 356 of the PRDM12 protein (p.Ala356Val).